The following is an entry in ClinVar:

NM_001035.3(RYR2):c.9131C>T (p.Thr3044Ile)

Gene: RYR2 (ryanodine receptor 2; plus strand). Cytogenetic location: 1q43.
Variant type: single nucleotide variant.
Coding change: c.9131C>T on transcript NM_001035.3 (MANE Select); coding-DNA position 9131, C replaced by T.
Protein change: p.Thr3044Ile; replaces threonine 3044 with isoleucine.
Molecular consequence: missense variant.
Genome position (GRCh38, 1-based): chr1:237,700,231, C>T. VCF-style: chr1-237700231-C-T. GRCh37 (hg19) VCF-style: chr1-237863531-C-T.
Other names: p.T3044I:ACA>ATA; c.9131C>T, p.Thr3044Ile (LRG_402t1); short protein forms T3044I.
Identifiers: ClinVar variation 201292 (VCV000201292.2), dbSNP rs794728763, ClinGen allele CA011136.

ClinVar aggregate classification (germline): Uncertain significance (1 of 4 stars; one submission).

Submission:

GeneDx
Classification: Uncertain significance. Last evaluated: 2014-07-31. Review status: criteria provided, single submitter. Criteria: GeneDx Variant Classification (06012015). Collection method: clinical testing. Allele origin: germline. Affected: yes.
Comment: p.Thr3044Ile (ACA>ATA): c.9131 C>T in exon 65 of the RYR2 gene (NM_001035.2). The T3044I variant has not been published as a mutation or as a benign polymorphism to our knowledge. The T3044I variant was not observed in approximately 6,000 individuals of European and African American ancestry in the NHLBI Exome Sequencing Project, indicating it is not a common benign variant in these populations. The T3044I variant is a non-conservative amino acid substitution, which is likely to impact secondary protein structure as these residues differ in polarity, charge, size and/or other properties. In addition, this substitution occurs at a position that is conserved across species. Moreover, in silico analysis predicts this variant is probably damaging to the protein structure/function. Nevertheless, no missense mutations in nearby residues have been reported in association with disease, indicating this region of the protein may be tolerant of change. Therefore, based on the currently available information, it is unclear whether this variant is a pathogenic mutation or a rare benign variant. The variant is found in CARDIOMYOPATHY panel(s).